The following is an entry in ClinVar:

ClinVar aggregate classification (germline): Conflicting classifications of pathogenicity. Review status: criteria provided, conflicting classifications (1 of 4 stars). 5 submissions from 5 submitters: Uncertain significance (1); Likely benign (2). 2 of the submissions do not count toward it. Last evaluated 2026-04-01.

Conditions:
Intellectual disability. Also called: Intellectual developmental disorder; Intellectual functioning disability; intellectual disabilities. Identifiers: MedGen C3714756, MeSH D008607, MONDO:0001071, HP:0001249.

Allele frequency attached by ClinVar (database versions not stated): ExAC 0.00014; gnomAD exomes 0.00014 and 0.00038; gnomAD 0.00023 and 0.00024.
gnomAD v4.1: 578 of 1,611,494 alleles (0.036%); highest among the groups gnomAD compares: Non-Finnish European, 0.047%; no homozygotes.

Submissions (5):

CeGaT Center for Human Genetics Tuebingen
Classification: Likely benign. Last evaluated: 2026-04-01. Review status: criteria provided, single submitter. Criteria: CeGaT Center For Human Genetics Tuebingen Variant Classification Criteria Version 2. Collection method: clinical testing. Allele origin: germline. Affected: yes. Observed: 3 variant alleles.
Comment: NAA15: BP4

Labcorp Genetics (formerly Invitae), Labcorp
Classification: Uncertain significance. Last evaluated: 2025-06-11. Review status: criteria provided, single submitter. Criteria: Invitae Variant Classification Sherloc (09022015). Collection method: clinical testing. Allele origin: germline.
Comment: This sequence change replaces isoleucine, which is neutral and non-polar, with valine, which is neutral and non-polar, at codon 784 of the NAA15 protein (p.Ile784Val). This variant is present in population databases (rs201001193, gnomAD 0.03%), and has an allele count higher than expected for a pathogenic variant. This variant has not been reported in the literature in individuals affected with NAA15-related conditions. ClinVar contains an entry for this variant (Variation ID: 1206278). An algorithm developed to predict the effect of missense changes on protein structure and function outputs the following: PolyPhen-2: "Benign". The valine amino acid residue is found in multiple mammalian species, which suggests that this missense change does not adversely affect protein function. In summary, the available evidence is currently insufficient to determine the role of this variant in disease. Therefore, it has been classified as a Variant of Uncertain Significance.

Cambridge Genomics Laboratory, East Genomic Laboratory Hub, NHS Genomic Medicine Service
Classification: Likely benign for Intellectual disability. Last evaluated: 2020-03-20. Review status: criteria provided, single submitter. Criteria: ACGS Best Practice Guidelines for Variant Classification in Rare Disease 2020. Collection method: clinical testing. Allele origin: germline. Affected: yes. Observed: 1 variant allele.

Clinical Genetics DNA and cytogenetics Diagnostics Lab, Erasmus MC, Erasmus Medical Center
Classification: Likely benign. Review status: no assertion criteria provided. Collection method: clinical testing. Allele origin: germline. Affected: yes. Study: VKGL Data-share Consensus. Not counted in ClinVar's aggregate classification.

Laboratory of Diagnostic Genome Analysis, Leiden University Medical Center (LUMC)
Classification: Likely benign. Review status: no assertion criteria provided. Collection method: clinical testing. Allele origin: germline. Affected: yes. Study: VKGL Data-share Consensus. Not counted in ClinVar's aggregate classification.

NM_057175.5(NAA15):c.2350A>G (p.Ile784Val)

Gene: NAA15 (N-alpha-acetyltransferase 15, NatA auxiliary subunit; plus strand). Cytogenetic location: 4q31.1.
Variant type: single nucleotide variant.
Coding change: c.2350A>G on transcript NM_057175.5 (MANE Select); coding-DNA position 2350, A replaced by G.
Protein change: p.Ile784Val; replaces isoleucine 784 with valine.
Molecular consequence: missense variant.
Genome position (GRCh38, 1-based): chr4:139,386,180, A>G. VCF-style: chr4-139386180-A-G. GRCh37 (hg19) VCF-style: chr4-140307334-A-G.
Other names: short protein forms I784V.
Identifiers: ClinVar variation 1206278 (VCV001206278.30), dbSNP rs201001193, ClinGen allele CA3083826.